The following is an entry in ClinVar:

NM_004463.3(FGD1):c.13C>G (p.Arg5Gly)

Gene: FGD1 (FYVE, RhoGEF and PH domain containing 1; minus strand). Cytogenetic location: Xp11.22.
Variant type: single nucleotide variant.
Coding change: c.13C>G on transcript NM_004463.3 (MANE Select); coding-DNA position 13, C replaced by G.
Protein change: p.Arg5Gly; replaces arginine 5 with glycine.
Molecular consequence: missense variant.
Genome position (GRCh38, 1-based): chrX:54,495,420, G>C on the plus strand (C>G on the coding strand, the complement: FGD1 is on the minus strand). VCF-style: chrX-54495420-G-C. GRCh37 (hg19) VCF-style: chrX-54521853-G-C.
Other names: c.13C>G (NM_004463.2); short protein forms R5G.
Identifiers: ClinVar variation 3772013 (VCV003772013.14).
Genomic context (GRCh38, chrX:54,495,420, plus strand): 5'-CGCCCGGCGGGTTCGTGGCCGGGTGTTCGGGCTCCGAAGGCCCGGCGCCCCCCGGGGCTC[G>C]GTGGCCATGCATGGTCCGGGCCTGGGCGCGGGGCCCGAGCTCCCCGCTTGGCTCCAGCTC-3'
Protein context (NP_004454.2, residues 1-15): MHGH[Arg5Gly]APGGAGPSEP

ClinVar aggregate classification (germline): Likely benign. Review status: criteria provided, multiple submitters, no conflicts (2 of 4 stars). 2 submissions from 2 submitters: Likely benign (2). Last evaluated 2025-04-23.

Conditions:
FGD1-related disorder. Also called: FGD1-related condition; FGD1-related disorders.

gnomAD v4.1: 80 of 1,089,363 alleles (0.0073%); highest among the groups gnomAD compares: Non-Finnish European, 0.0091%; no homozygotes.

Submissions (2):

PreventionGenetics, part of Exact Sciences
Classification: Likely benign for FGD1-related condition. Last evaluated: 2025-04-23. Review status: criteria provided, single submitter. Criteria: ACMG Guidelines, 2015. Collection method: clinical testing. Allele origin: germline.
Comment: This variant is classified as likely benign based on ACMG/AMP sequence variant interpretation guidelines (Richards et al. 2015 PMID: 25741868, with internal and published modifications).

CeGaT Center for Human Genetics Tuebingen
Classification: Likely benign. Last evaluated: 2024-12-01. Review status: criteria provided, single submitter. Criteria: CeGaT Center For Human Genetics Tuebingen Variant Classification Criteria Version 2. Collection method: clinical testing. Allele origin: germline. Affected: yes. Observed: 1 variant allele.
Comment: FGD1: BS2